The following is an entry in ClinVar:

NM_000264.5(PTCH1):c.2104C>G (p.Pro702Ala)

Genes: PTCH1 (patched 1; minus strand), LOC100507346 (uncharacterized LOC100507346; plus strand). Cytogenetic location: 9q22.32.
Variant type: single nucleotide variant.
Coding change: c.2104C>G on transcript NM_000264.5 (MANE Select); coding-DNA position 2104, C replaced by G.
Protein change: p.Pro702Ala; replaces proline 702 with alanine.
Molecular consequence: missense variant. On other transcripts: non-coding transcript variant (2).
Genome position (GRCh38, 1-based): chr9:95,468,897, G>C on the plus strand (C>G on the coding strand, the complement: PTCH1 is on the minus strand). VCF-style: chr9-95468897-G-C. GRCh37 (hg19) VCF-style: chr9-98231179-G-C.
Other names: c.1906C>G, p.Pro636Ala (NM_001083602.3); c.2101C>G, p.Pro701Ala (NM_001083603.3); c.1651C>G, p.Pro551Ala (NM_001083604.3, NM_001083605.3, NM_001083606.3 and 1 more transcripts); c.1948C>G, p.Pro650Ala (NM_001354918.2); short protein forms P551A, P701A, P702A, P636A, P650A.
Identifiers: ClinVar variation 2624550 (VCV002624550.2), dbSNP rs2118037487, ClinGen allele CA374115649.

ClinVar aggregate classification (germline): Uncertain significance (1 of 4 stars; one submission).

Conditions:
Hereditary cancer-predisposing syndrome. Also called: Tumor predisposition; Hereditary Cancer Syndrome; Hereditary neoplastic syndrome; Neoplastic Syndromes, Hereditary. Identifiers: Orphanet 140162, MedGen C0027672, MeSH D009386, MONDO:0015356.

Submission:

Ambry Genetics
Classification: Uncertain significance for Hereditary cancer-predisposing syndrome. Last evaluated: 2023-08-13. Review status: criteria provided, single submitter. Criteria: Ambry Variant Classification Scheme 2023. Collection method: clinical testing. Allele origin: germline.
Comment: The p.P702A variant (also known as c.2104C>G), located in coding exon 14 of the PTCH1 gene, results from a C to G substitution at nucleotide position 2104. The proline at codon 702 is replaced by alanine, an amino acid with highly similar properties. This amino acid position is conserved. In addition, the in silico prediction for this alteration is inconclusive. Since supporting evidence is limited at this time, the clinical significance of this alteration remains unclear.